The following is an entry in ClinVar:

ClinVar aggregate classification (germline): Benign/Likely benign. Review status: criteria provided, multiple submitters, no conflicts (2 of 4 stars). 3 submissions from 3 submitters: Benign (2); Likely benign (1). Last evaluated 2026-08-01.

Allele frequency attached by ClinVar (database versions not stated): gnomAD exomes 0.00035 and 0.00100; ExAC 0.00121; ESP Exome Variant Server 0.00216; gnomAD 0.00388 and 0.00412; TOPMed 0.00425; 1000 Genomes Project 0.00519; 1000 Genomes Project 30x 0.00547.
gnomAD v4.1: 1,117 of 1,614,028 alleles (0.069%); highest among the groups gnomAD compares: African/African-American, 1.3%; 5 homozygotes.

Submissions (3):

CeGaT Center for Human Genetics Tuebingen
Classification: Likely benign. Last evaluated: 2026-08-01. Review status: criteria provided, single submitter. Criteria: CeGaT Center For Human Genetics Tuebingen Variant Classification Criteria Version 2. Collection method: clinical testing. Allele origin: germline. Affected: yes. Observed: 2 variant alleles.
Comment: ZNF407: BP4, BS1

Labcorp Genetics (formerly Invitae), Labcorp
Classification: Benign. Last evaluated: 2018-07-11. Review status: criteria provided, single submitter. Criteria: Invitae Variant Classification Sherloc (09022015). Collection method: clinical testing. Allele origin: germline.

Breakthrough Genomics
Classification: Benign. Review status: criteria provided, single submitter. Criteria: ACMG Guidelines, 2015. Collection method: not provided. Allele origin: germline. Inheritance: Autosomal recessive inheritance. Affected: yes.

NM_017757.3(ZNF407):c.1523C>T (p.Pro508Leu)

Gene: ZNF407 (zinc finger protein 407; plus strand). Cytogenetic location: 18q22.3.
Variant type: single nucleotide variant.
Coding change: c.1523C>T on transcript NM_017757.3 (MANE Select); coding-DNA position 1523, C replaced by T.
Protein change: p.Pro508Leu; replaces proline 508 with leucine.
Molecular consequence: missense variant.
Genome position (GRCh38, 1-based): chr18:74,632,542, C>T. VCF-style: chr18-74632542-C-T. GRCh37 (hg19) VCF-style: chr18-72344498-C-T.
Other names: c.1523C>T, p.Pro508Leu (NM_001146189.1, NM_001146190.1, NM_001384475.1); short protein forms P508L.
Identifiers: ClinVar variation 787469 (VCV000787469.11), dbSNP rs77006793, ClinGen allele CA9000383.
Genomic context (GRCh38, chr18:74,632,542, plus strand): 5'-GAGTGTGTGTGACTACCTCAGAAACCCAGGAGGCAGAGCAGGGCCAGGGGAGTGCCCGTC[C>T]TCCGGACTCCGGGCTGCATTCCCTGACAGTGAAGCCAGCTTCTGGCTCTCAGACGTTGTG-3'
Protein context (NP_060227.2, residues 498-518): EAEQGQGSAR[Pro508Leu]PDSGLHSLTV